The following is an entry in ClinVar:

ClinVar aggregate classification (germline): Uncertain significance. Review status: criteria provided, multiple submitters, no conflicts (2 of 4 stars). 2 submissions from 2 submitters: Uncertain significance (2). Last evaluated 2025-06-19.

Conditions:
Inborn genetic diseases. Identifiers: MedGen C0950123, MeSH D030342.
Fanconi anemia (FA). Also called: Fanconi's anemia. Identifiers: Orphanet 84, MedGen C0015625, MeSH D005199, MONDO:0019391.

Submissions (2):

Ambry Genetics
Classification: Uncertain significance for Inborn genetic diseases. Last evaluated: 2025-06-19. Review status: criteria provided, single submitter. Criteria: Ambry Variant Classification Scheme 2023. Collection method: clinical testing. Allele origin: germline.
Comment: The p.Y929H variant (also known as c.2785T>C), located in coding exon 29 of the FANCA gene, results from a T to C substitution at nucleotide position 2785. The tyrosine at codon 929 is replaced by histidine, an amino acid with similar properties. This amino acid position is conserved. In addition, the in silico prediction for this alteration is inconclusive. Based on the available evidence, the clinical significance of this variant remains unclear.

Labcorp Genetics (formerly Invitae), Labcorp
Classification: Uncertain significance for Fanconi anemia. Last evaluated: 2018-05-09. Review status: criteria provided, single submitter. Criteria: Invitae Variant Classification Sherloc (09022015). Collection method: clinical testing. Allele origin: germline.
Comment: This sequence change replaces tyrosine with histidine at codon 929 of the FANCA protein (p.Tyr929His). The tyrosine residue is weakly conserved and there is a moderate physicochemical difference between tyrosine and histidine. This variant is not present in population databases (ExAC no frequency). This variant has not been reported in the literature in individuals with FANCA-related disease. Algorithms developed to predict the effect of missense changes on protein structure and function (SIFT, PolyPhen-2, Align-GVGD) all suggest that this variant is likely to be tolerated, but these predictions have not been confirmed by published functional studies and their clinical significance is uncertain. In summary, the available evidence is currently insufficient to determine the role of this variant in disease. Therefore, it has been classified as a Variant of Uncertain Significance.

NM_000135.4(FANCA):c.2785T>C (p.Tyr929His)

Gene: FANCA (FA complementation group A; minus strand). Cytogenetic location: 16q24.3.
Variant type: single nucleotide variant.
Coding change: c.2785T>C on transcript NM_000135.4 (MANE Select); coding-DNA position 2785, T replaced by C.
Protein change: p.Tyr929His; replaces tyrosine 929 with histidine.
Molecular consequence: missense variant.
Genome position (GRCh38, 1-based): chr16:89,762,016, A>G on the plus strand (T>C on the coding strand, the complement: FANCA is on the minus strand). VCF-style: chr16-89762016-A-G. GRCh37 (hg19) VCF-style: chr16-89828424-A-G.
Other names: c.2785T>C (LRG_495t1); c.2785T>C, p.Tyr929His (NM_001286167.3); short protein forms Y929H.
Identifiers: ClinVar variation 574216 (VCV000574216.9), dbSNP rs1567612427, ClinGen allele CA397433980.